The following is an entry in ClinVar:

NM_004380.3(CREBBP):c.3750C>T (p.Thr1250=)

Gene: CREBBP (CREB binding lysine acetyltransferase; minus strand). Cytogenetic location: 16p13.3.
Variant type: single nucleotide variant.
Coding change: c.3750C>T on transcript NM_004380.3 (MANE Select); coding-DNA position 3750, C replaced by T.
Protein change: p.Thr1250=; no amino-acid change (threonine 1250 retained).
Molecular consequence: synonymous variant.
Genome position (GRCh38, 1-based): chr16:3,751,755, G>A on the plus strand (C>T on the coding strand, the complement: CREBBP is on the minus strand). VCF-style: chr16-3751755-G-A. GRCh37 (hg19) VCF-style: chr16-3801756-G-A.
Other names: c.3636C>T, p.Thr1212= (NM_001079846.1).
Identifiers: ClinVar variation 1182122 (VCV001182122.32), dbSNP rs199885110, ClinGen allele CA7869759.
Genomic context (GRCh38, chr16:3,751,755, plus strand): 5'-ACCCCAGAGAAAATGACAGGACGGTACTTACGTCTGGGGCTGTGAAGGGTCGTCACCCAG[G>A]GTCACATTCTCGCCCTGGATCTCTGTGAAACACTTCTCACAGAAATGATACCTGTCAGCA-3'
Protein context (NP_004371.2, residues 1240-1260): CFTEIQGENV[Thr1250=]LGDDPSQPQT

ClinVar aggregate classification (germline): Benign/Likely benign. Review status: criteria provided, multiple submitters, no conflicts (2 of 4 stars). 5 submissions from 5 submitters: Benign (1); Likely benign (3). 1 of the submissions does not count toward it. Last evaluated 2026-01-02.

Conditions:
CREBBP-related disorder. Also called: CREBBP-related condition; CREBBP-related disorders.
Inborn genetic diseases. Identifiers: MedGen C0950123, MeSH D030342.
Rubinstein-Taybi syndrome (RSTS). Identifiers: Orphanet 783, MedGen C0035934, MONDO:0019188.

Allele frequency attached by ClinVar (database versions not stated): ExAC 0.00006; gnomAD exomes 0.00008 and 0.00016; gnomAD 0.00012 and 0.00019; 1000 Genomes Project 30x 0.00016; TOPMed 0.00018; 1000 Genomes Project 0.00020; ESP Exome Variant Server 0.00023.
gnomAD v4.1: 252 of 1,614,104 alleles (0.016%); highest among the groups gnomAD compares: Non-Finnish European, 0.02%; no homozygotes.

Submissions (5):

Labcorp Genetics (formerly Invitae), Labcorp
Classification: Benign for Rubinstein-Taybi syndrome. Last evaluated: 2026-01-02. Review status: criteria provided, single submitter. Criteria: Invitae Variant Classification Sherloc (09022015). Collection method: clinical testing. Allele origin: germline.

CeGaT Center for Human Genetics Tuebingen
Classification: Likely benign. Last evaluated: 2024-10-01. Review status: criteria provided, single submitter. Criteria: CeGaT Center For Human Genetics Tuebingen Variant Classification Criteria Version 2. Collection method: clinical testing. Allele origin: germline. Affected: yes. Observed: 4 variant alleles.
Comment: CREBBP: BP4

GeneDx
Classification: Likely benign. Last evaluated: 2020-11-02. Review status: criteria provided, single submitter. Criteria: GeneDx Variant Classification Process June 2021. Collection method: clinical testing. Allele origin: germline. Affected: yes.

Ambry Genetics
Classification: Likely benign for Inborn genetic diseases. Last evaluated: 2017-09-22. Review status: criteria provided, single submitter. Criteria: Ambry Variant Classification Scheme 2023. Collection method: clinical testing. Allele origin: germline.

PreventionGenetics, part of Exact Sciences
Classification: Likely benign for CREBBP-related condition. Last evaluated: 2022-01-31. Review status: no assertion criteria provided. Collection method: clinical testing. Allele origin: germline. Not counted in ClinVar's aggregate classification.
Comment: This variant is classified as likely benign based on ACMG/AMP sequence variant interpretation guidelines (Richards et al. 2015 PMID: 25741868, with internal and published modifications).